The following is an entry in ClinVar:

NM_001318852.2(MAPK8IP3):c.2278_2279delinsGT (p.Lys760Val)

Gene: MAPK8IP3 (mitogen-activated protein kinase 8 interacting protein 3; plus strand). Cytogenetic location: 16p13.3.
Variant type: Indel.
Coding change: c.2278_2279delinsGT on transcript NM_001318852.2 (MANE Select); coding-DNA positions 2278 to 2279, AA replaced by GT.
Protein change: p.Lys760Val; replaces lysine 760 with valine.
Molecular consequence: missense variant.
Genome position (GRCh38, 1-based): chr16:1,764,457-1,764,458, AA replaced by GT. VCF-style: chr16-1764457-AA-GT. GRCh37 (hg19) VCF-style: chr16-1814458-AA-GT.
Other names: c.2257_2258delinsGT, p.Lys753Val (NM_001040439.2); c.2275_2276delinsGT, p.Lys759Val (NM_015133.5); short protein forms K753V, K759V, K760V.
Identifiers: ClinVar variation 1331238 (VCV001331238.3), dbSNP rs2141941033, ClinGen allele CA2573054152.

ClinVar aggregate classification (germline): Likely benign (1 of 4 stars; one submission).

Submission:

GeneDx
Classification: Likely benign. Last evaluated: 2022-11-01. Review status: criteria provided, single submitter. Criteria: GeneDx Variant Classification Process June 2021. Collection method: clinical testing. Allele origin: germline. Affected: yes.
Comment: Not observed at significant frequency in large population cohorts (gnomAD); In silico analysis supports that this variant does not alter protein structure/function; In-silico analysis is inconclusive as to whether the variant alters gene splicing. In the absence of RNA/functional studies, the actual effect of this sequence change is unknown.; Has not been previously published as pathogenic or benign to our knowledge; This variant is associated with the following publications: (PMID: 27535533)